The following continues an entry in ClinVar:

NM_000202.8(IDS):c.1403G>A (p.Arg468Gln)

Gene: IDS. ClinVar aggregate classification (germline): Pathogenic. Pathogenic (11).

Literature cited by the submitters, continued: PubMed 11462244 (cited by Laboratory of Diagnosis and Therapy of Lysosomal Disorders, University of Padova); PubMed 9660053 (cited by Laboratory of Diagnosis and Therapy of Lysosomal Disorders, University of Padova); PubMed 25681085 (cited by Laboratory of Diagnosis and Therapy of Lysosomal Disorders, University of Padova); PubMed 8664909 (cited by Laboratory of Diagnosis and Therapy of Lysosomal Disorders, University of Padova); PubMed 35225932 (cited by Laboratory of Diagnosis and Therapy of Lysosomal Disorders, University of Padova); PubMed 8111411 (cited by Laboratory of Diagnosis and Therapy of Lysosomal Disorders, University of Padova); PubMed 9501270 (cited by Laboratory of Diagnosis and Therapy of Lysosomal Disorders, University of Padova); PubMed 33960103 (cited by Laboratory of Diagnosis and Therapy of Lysosomal Disorders, University of Padova); PubMed 9921913 (cited by Laboratory of Diagnosis and Therapy of Lysosomal Disorders, University of Padova); PubMed 18500569 (cited by Laboratory of Diagnosis and Therapy of Lysosomal Disorders, University of Padova and Labcorp Genetics (formerly Invitae), Labcorp); PubMed 27246110 (cited by Laboratory of Diagnosis and Therapy of Lysosomal Disorders, University of Padova); PubMed 9950361 (cited by Laboratory of Diagnosis and Therapy of Lysosomal Disorders, University of Padova); PubMed 9266380 (cited by Laboratory of Diagnosis and Therapy of Lysosomal Disorders, University of Padova and Labcorp Genetics (formerly Invitae), Labcorp); PubMed 11683780 (cited by Laboratory of Diagnosis and Therapy of Lysosomal Disorders, University of Padova); PubMed 14728992 (cited by Laboratory of Diagnosis and Therapy of Lysosomal Disorders, University of Padova); PubMed 8940265 (cited by Laboratory of Diagnosis and Therapy of Lysosomal Disorders, University of Padova); PubMed 27187040 (cited by Laboratory of Diagnosis and Therapy of Lysosomal Disorders, University of Padova); PubMed 33676511 (cited by Laboratory of Diagnosis and Therapy of Lysosomal Disorders, University of Padova); PubMed 32775211 (cited by Laboratory of Diagnosis and Therapy of Lysosomal Disorders, University of Padova); PubMed 21291454 (cited by Laboratory of Diagnosis and Therapy of Lysosomal Disorders, University of Padova); PubMed 7581397 (cited by Laboratory of Diagnosis and Therapy of Lysosomal Disorders, University of Padova and Labcorp Genetics (formerly Invitae), Labcorp); PubMed 27146977 (cited by Laboratory of Diagnosis and Therapy of Lysosomal Disorders, University of Padova); PubMed 9875019 (cited by Laboratory of Diagnosis and Therapy of Lysosomal Disorders, University of Padova and Labcorp Genetics (formerly Invitae), Labcorp); PubMed 9222763 (cited by Laboratory of Diagnosis and Therapy of Lysosomal Disorders, University of Padova); PubMed 8364592 (cited by Laboratory of Diagnosis and Therapy of Lysosomal Disorders, University of Padova and OMIM); PubMed 30809705 (cited by Laboratory of Diagnosis and Therapy of Lysosomal Disorders, University of Padova); PubMed 34670126 (cited by Laboratory of Diagnosis and Therapy of Lysosomal Disorders, University of Padova); PubMed 36945845 (cited by Laboratory of Diagnosis and Therapy of Lysosomal Disorders, University of Padova); PubMed 1284597 (cited by Labcorp Genetics (formerly Invitae), Labcorp); PubMed 15614569 (cited by Labcorp Genetics (formerly Invitae), Labcorp); DOI 10.1016/j.ymgmr.2014.08.006 (cited by IIFP, CONICET-UNLP); NCBI Bookshelf NBK1274 (cited by GeneReviews); PubMed 20301451 (cited by GeneReviews).